The following is an entry in ClinVar:

NM_018010.4(IFT57):c.283A>G (p.Ile95Val)

Gene: IFT57 (intraflagellar transport 57; minus strand). Cytogenetic location: 3q13.13.
Variant type: single nucleotide variant.
Coding change: c.283A>G on transcript NM_018010.4 (MANE Select); coding-DNA position 283, A replaced by G.
Protein change: p.Ile95Val; replaces isoleucine 95 with valine.
Molecular consequence: missense variant.
Genome position (GRCh38, 1-based): chr3:108,219,502, T>C on the plus strand (A>G on the coding strand, the complement: IFT57 is on the minus strand). VCF-style: chr3-108219502-T-C. GRCh37 (hg19) VCF-style: chr3-107938349-T-C.
Other names: short protein forms I95V.
Identifiers: ClinVar variation 3640765 (VCV003640765.2).
Genomic context (GRCh38, chr3:108,219,502, plus strand): 5'-TTGTTGCATTAGGGTCATCATATTCTTGAGGCTGCTCAAAGGGACGTCCCGCTTTATTAA[T>C]CAACCAAGCAGCAAGAGTACAAAACATGTAGAACTGTTCGCCAGGGTTGGTAGGCAGTGC-3'
Protein context (NP_060480.1, residues 85-105): YMFCTLAAWL[Ile95Val]NKAGRPFEQP

ClinVar aggregate classification (germline): Uncertain significance (1 of 4 stars; one submission).

gnomAD v4.1: 1 of 1,613,932 alleles (0.000062%); highest among the groups gnomAD compares: Non-Finnish European, 0.000085%; no homozygotes.

Submission:

Labcorp Genetics (formerly Invitae), Labcorp
Classification: Uncertain significance. Last evaluated: 2024-04-09. Review status: criteria provided, single submitter. Criteria: Invitae Variant Classification Sherloc (09022015). Collection method: clinical testing. Allele origin: germline.
Comment: This sequence change replaces isoleucine, which is neutral and non-polar, with valine, which is neutral and non-polar, at codon 95 of the IFT57 protein (p.Ile95Val). This variant is present in population databases (rs779904309, gnomAD 0.0009%). This variant has not been reported in the literature in individuals affected with IFT57-related conditions. An algorithm developed to predict the effect of missense changes on protein structure and function (PolyPhen-2) suggests that this variant is likely to be tolerated. In summary, the available evidence is currently insufficient to determine the role of this variant in disease. Therefore, it has been classified as a Variant of Uncertain Significance.